The following is an entry in ClinVar:

ClinVar aggregate classification (germline): Uncertain significance. Review status: criteria provided, multiple submitters, no conflicts (2 of 4 stars). 2 submissions from 2 submitters: Uncertain significance (2). Last evaluated 2025-07-08.

Conditions:
Hereditary cancer-predisposing syndrome. Also called: Neoplastic Syndromes, Hereditary; Tumor predisposition; Hereditary Cancer Syndrome; Hereditary neoplastic syndrome. Identifiers: Orphanet 140162, MedGen C0027672, MeSH D009386, MONDO:0015356.
Familial cancer of breast. Also called: BREAST CANCER, FAMILIAL; Hereditary breast cancer; hereditary breast carcinoma. Identifiers: Orphanet 227535, MedGen C0346153, MONDO:0016419, OMIM 114480. Disease mechanism: loss of function.

Submissions (2):

KCCC/NGS Laboratory, Kuwait Cancer Control Center
Classification: Uncertain significance for Familial cancer of breast. Last evaluated: 2025-07-08. Review status: criteria provided, single submitter. Criteria: ACMG Guidelines, 2015. Collection method: clinical testing. Allele origin: germline. Inheritance: Autosomal dominant inheritance. Affected: yes. Observed: 1 heterozygote.
Comment: The p.L121V variant , located in coding exon 5 of the ATM gene, results from a T to G substitution at nucleotide position 361. The leucine at codon 121 is replaced by valine, an amino acid with highly similar properties. This amino acid position is highly conserved . ClinVar database contain an entry (ID:1733317) by single clinical laboratory classified as variant of uncertain significance . In addition, the in silico prediction for this alteration is inconclusive. Since supporting evidence is limited at this time, the clinical significance of this alteration remains unclear.

Ambry Genetics
Classification: Uncertain significance for Hereditary cancer-predisposing syndrome. Last evaluated: 2021-10-05. Review status: criteria provided, single submitter. Criteria: Ambry Variant Classification Scheme 2023. Collection method: clinical testing. Allele origin: germline.
Comment: The p.L121V variant (also known as c.361T>G), located in coding exon 4 of the ATM gene, results from a T to G substitution at nucleotide position 361. The leucine at codon 121 is replaced by valine, an amino acid with highly similar properties. This amino acid position is highly conserved in available vertebrate species. In addition, the in silico prediction for this alteration is inconclusive. Since supporting evidence is limited at this time, the clinical significance of this alteration remains unclear.

NM_000051.4(ATM):c.361T>G (p.Leu121Val)

Gene: ATM (ATM serine/threonine kinase; plus strand). Cytogenetic location: 11q22.3.
Variant type: single nucleotide variant.
Coding change: c.361T>G on transcript NM_000051.4 (MANE Select); coding-DNA position 361, T replaced by G.
Protein change: p.Leu121Val; replaces leucine 121 with valine.
Molecular consequence: missense variant.
Genome position (GRCh38, 1-based): chr11:108,235,699, T>G. VCF-style: chr11-108235699-T-G. GRCh37 (hg19) VCF-style: chr11-108106426-T-G.
Other names: c.361T>G, p.Leu121Val (NM_001351834.2); short protein forms L121V.
Identifiers: ClinVar variation 1733317 (VCV001733317.3), dbSNP rs587782178, ClinGen allele CA382524680.